The following is an entry in ClinVar:

NM_033116.6(NEK9):c.326ACA[1] (p.Asn110del)

Gene: NEK9 (NIMA related kinase 9; minus strand). Cytogenetic location: 14q24.3.
Variant type: Microsatellite.
Coding change: c.326ACA[1] on transcript NM_033116.6 (MANE Select); one copy of the 3-base unit ACA starting at c.326; the reference has two copies in a row; one copy, 3 bases deleted; also written c.329_331del.
Protein change: p.Asn110del; deletes asparagine 110.
Molecular consequence: inframe deletion. On other transcripts: 5 prime UTR variant (1).
Genome position (GRCh38, 1-based): chr14:75,124,112-75,124,114, TGT deleted on the plus strand (ACA on the coding strand, the reverse complement: NEK9 is on the minus strand); deleting any 3 consecutive bases within chr14:75,124,112-75,124,117 gives the same sequence; the position shown is the placement nearest the transcript's 3' end. VCF-style (leftmost placement, unchanged base first): chr14-75124111-ATGT-A. GRCh37 (hg19) VCF-style: chr14-75590814-ATGT-A.
Other names: c.326ACA[1], p.Asn110del (NM_001329237.2); c.-29ACA[1] (NM_001329238.2); c.329_331del (NM_033116.6); short protein forms N110del.
Identifiers: ClinVar variation 1683733 (VCV001683733.2), dbSNP rs1167437528, ClinGen allele CA615194276.
Genomic context (GRCh38, chr14:75,124,111, plus strand): 5'-CAATATTCCAGCTCAATCAGCAGCGTGGTATTGTCCATGAAGTGATTGTAGTAGGCAATA[ATGT>A]TGTCGTGCTGCAGCAGTGCCAGAATAACAATCTCATTCAAGGCATCACGACGTTCCTTCT-3'

ClinVar aggregate classification (germline): Uncertain significance (1 of 4 stars; one submission).

Conditions:
Congenital omphalocele. Also called: Omphalocele; Omphalocoele. Identifiers: Orphanet 660, MedGen C0795690, MONDO:0019015, HP:0001539.
Congenital contracture. Also called: Congenital contractures. Identifiers: MedGen C0332878, MONDO:0022823, HP:0002803.

Submission:

Laboratorio de Genetica e Diagnostico Molecular, Hospital Israelita Albert Einstein
Classification: Uncertain significance for Congenital contracture; Congenital omphalocele. Last evaluated: 2021-05-10. Review status: criteria provided, single submitter. Criteria: ACMG Guidelines, 2015. Collection method: clinical testing. Allele origin: germline. Affected: yes.
Comment: ACMG classification criteria: PM2 moderate